The following is an entry in ClinVar:

ClinVar aggregate classification (germline): Uncertain significance (1 of 4 stars; one submission).

Submission:

Labcorp Genetics (formerly Invitae), Labcorp
Classification: Uncertain significance. Last evaluated: 2025-03-17. Review status: criteria provided, single submitter. Criteria: Invitae Variant Classification Sherloc (09022015). Collection method: clinical testing. Allele origin: germline.
Comment: This sequence change replaces proline, which is neutral and non-polar, with threonine, which is neutral and polar, at codon 433 of the COL18A1 protein (p.Pro433Thr). This variant is not present in population databases (gnomAD no frequency). This variant has not been reported in the literature in individuals affected with COL18A1-related conditions. ClinVar contains an entry for this variant (Variation ID: 1445360). Experimental studies and prediction algorithms are not available or were not evaluated, and the functional significance of this variant is currently unknown. In summary, the available evidence is currently insufficient to determine the role of this variant in disease. Therefore, it has been classified as a Variant of Uncertain Significance.

NM_001379500.1(COL18A1):c.1297C>A (p.Pro433Thr)

Gene: COL18A1 (collagen type XVIII alpha 1 chain; plus strand). Cytogenetic location: 21q22.3.
Variant type: single nucleotide variant.
Coding change: c.1297C>A on transcript NM_001379500.1 (MANE Select); coding-DNA position 1297, C replaced by A.
Protein change: p.Pro433Thr; replaces proline 433 with threonine.
Molecular consequence: missense variant.
Genome position (GRCh38, 1-based): chr21:45,479,950, C>A. VCF-style: chr21-45479950-C-A. GRCh37 (hg19) VCF-style: chr21-46899864-C-A.
Other names: c.1837C>A, p.Pro613Thr (NM_030582.4); c.2542C>A, p.Pro848Thr (NM_130444.3); short protein forms P433T, P848T, P613T.
Identifiers: ClinVar variation 1445360 (VCV001445360.6), dbSNP rs2145934160, ClinGen allele CA410516763.
Genomic context (GRCh38, chr21:45,479,950, plus strand): 5'-GTTGTGTTCCAGGGCGACACCGGGCCACAAGGCTTCCCCGGGACTCCAGGGGACGTAGGT[C>A]CCAAGGGCGACAAGGTGAGTCTCCGTGGCTGGGTGGGGCCCCTTCCTGTGTTGGCCCTTG-3'
Protein context (NP_001366429.1, residues 423-443): GFPGTPGDVG[Pro433Thr]KGDKGDPGVG